The following is an entry in ClinVar:

NM_000553.6(WRN):c.427G>C (p.Asp143His)

Gene: WRN (WRN RecQ like helicase; plus strand). Cytogenetic location: 8p12.
Variant type: single nucleotide variant.
Coding change: c.427G>C on transcript NM_000553.6 (MANE Select); coding-DNA position 427, G replaced by C.
Protein change: p.Asp143His; replaces aspartic acid 143 with histidine.
Molecular consequence: missense variant.
Genome position (GRCh38, 1-based): chr8:31,064,986, G>C. VCF-style: chr8-31064986-G-C. GRCh37 (hg19) VCF-style: chr8-30922502-G-C.
Other names: short protein forms D143H.
Identifiers: ClinVar variation 2136653 (VCV002136653.3), dbSNP rs1060500063, ClinGen allele CA370914801.

ClinVar aggregate classification (germline): Uncertain significance (1 of 4 stars; one submission).

Conditions:
Werner syndrome (WRN). Identifiers: Orphanet 902, MedGen C0043119, MONDO:0010196, OMIM 277700.

Allele frequency attached by ClinVar (database versions not stated): TOPMed below 0.00001; gnomAD exomes 0.00001.
gnomAD v4.1: 10 of 1,613,696 alleles (0.00062%); highest among the groups gnomAD compares: African/African-American, 0.0013%; no homozygotes.

Submission:

Labcorp Genetics (formerly Invitae), Labcorp
Classification: Uncertain significance for Werner syndrome. Last evaluated: 2024-04-15. Review status: criteria provided, single submitter. Criteria: Invitae Variant Classification Sherloc (09022015). Collection method: clinical testing. Allele origin: germline.
Comment: This sequence change replaces aspartic acid, which is acidic and polar, with histidine, which is basic and polar, at codon 143 of the WRN protein (p.Asp143His). This variant is present in population databases (no rsID available, gnomAD 0.0009%). This missense change has been observed in individual(s) with breast cancer (PMID: 25619955). ClinVar contains an entry for this variant (Variation ID: 2136653). An algorithm developed to predict the effect of missense changes on protein structure and function (PolyPhen-2) suggests that this variant is likely to be disruptive. In summary, the available evidence is currently insufficient to determine the role of this variant in disease. Therefore, it has been classified as a Variant of Uncertain Significance.

Literature cited by the submitters: PubMed 25619955.